The following is an entry in ClinVar:

ClinVar aggregate classification (germline): Benign (1 of 4 stars; one submission).

Submission:

CeGaT Center for Human Genetics Tuebingen
Classification: Benign. Last evaluated: 2022-08-01. Review status: criteria provided, single submitter. Criteria: CeGaT Center For Human Genetics Tuebingen Variant Classification Criteria Version 2. Collection method: clinical testing. Allele origin: germline. Affected: yes. Observed: 2 variant alleles.
Comment: BRD4: BS1, BS2

NM_001379291.1(BRD4):c.2158+2706_2158+2713dup

Gene: BRD4 (bromodomain containing 4; minus strand). Cytogenetic location: 19p13.12.
Variant type: Duplication.
Coding change: c.2158+2706_2158+2713dup on transcript NM_001379291.1 (MANE Select); bases 2706 to 2713 of the intron after coding-DNA position 2158, 8 bases duplicated (CCCCCCCC; older notation c.2158+2706_2158+2713dupCCCCCCCC).
Molecular consequence: intron variant.
Genome position (GRCh38, 1-based): chr19:15,251,439-15,251,446, GGGGGGGG duplicated on the plus strand (CCCCCCCC on the coding strand, the reverse complement: BRD4 is on the minus strand); duplicating any 8 consecutive bases within chr19:15,251,439-15,251,455 gives the same sequence; the c. name uses the placement nearest the transcript's 3' end. VCF-style (leftmost placement, unchanged base first): chr19-15251438-C-CGGGGGGGG. GRCh37 (hg19) VCF-style: chr19-15362249-C-CGGGGGGGG.
Other names: c.2158+2706_2158+2713dup (NM_058243.3); c.2159-2156_2159-2149dup (NM_001379292.1, NM_014299.3).
Identifiers: ClinVar variation 2649470 (VCV002649470.24), dbSNP rs1197390019, ClinGen allele CA993903453.